The following is an entry in ClinVar:

ClinVar aggregate classification (germline): Pathogenic/Likely pathogenic. Review status: criteria provided, multiple submitters, no conflicts (2 of 4 stars). 19 submissions from 19 submitters: Pathogenic (13); Likely pathogenic (1). 5 of the submissions do not count toward it. Last evaluated 2026-01-27.

Conditions:
MMAB-related disorder. Also called: MMAB-related condition.
Inborn genetic diseases. Identifiers: MedGen C0950123, MeSH D030342.
Methylmalonic acidemia (MMA). Also called: Isolated Methylmalonic Acidemia. Identifiers: MedGen C0268583, MeSH C537358, MONDO:0002012, HP:0002912.
Methylmalonic aciduria, cblB type (MACB). Also called: METHYLMALONIC ACIDURIA, VITAMIN B12-RESPONSIVE, DUE TO DEFECT IN SYNTHESIS OF ADENOSYLCOBALAMIN, cblB TYPE; Vitamin B12-responsive methylmalonic acidemia type cblB; Methylmalonic acidemia cblB type. Identifiers: Orphanet 28, Orphanet 79311, MedGen C1855102, MONDO:0009614, OMIM 251110.

Allele frequency attached by ClinVar (database versions not stated): 1000 Genomes Project 30x 0.00016; ExAC 0.00011; gnomAD 0.00014 and 0.00015; TOPMed 0.00015; gnomAD exomes 0.00014.
gnomAD v4.1: 405 of 1,525,838 alleles (0.027%); highest among the groups gnomAD compares: Non-Finnish European, 0.033%; no homozygotes.

Submissions 1 to 11 of 19:

Labcorp Genetics (formerly Invitae), Labcorp
Classification: Pathogenic for Methylmalonic aciduria, cblB type. Last evaluated: 2026-01-27. Review status: criteria provided, single submitter. Criteria: Invitae Variant Classification Sherloc (09022015). Collection method: clinical testing. Allele origin: germline.
Comment: This sequence change replaces arginine, which is basic and polar, with tryptophan, which is neutral and slightly polar, at codon 186 of the MMAB protein (p.Arg186Trp). This variant is present in population databases (rs28941784, gnomAD 0.02%). This missense change has been observed in individuals with MMAB-related conditions (PMID: 12471062, 16410054). ClinVar contains an entry for this variant (Variation ID: 3095). Invitae Evidence Modeling of protein sequence and biophysical properties (such as structural, functional, and spatial information, amino acid conservation, physicochemical variation, residue mobility, and thermodynamic stability) indicates that this missense variant is expected to disrupt MMAB protein function with a positive predictive value of 80%. Experimental studies have shown that this missense change affects MMAB function (PMID: 16439175, 19625202). For these reasons, this variant has been classified as Pathogenic.

Natera, Inc.
Classification: Pathogenic for Methylmalonic aciduria cblB type. Last evaluated: 2025-07-20. Review status: criteria provided, single submitter. Criteria: Natera Variant Classification Schema (03/2026). Collection method: clinical testing. Allele origin: germline.
Comment: The c.556C>T variant in MMAB is a missense variant predicted to cause substitution of arginine to tryptophan at amino acid 186. This variant is rare in the general population with a frequency below the threshold expected for the associated phenotype(s). This variant has been observed in one or more individuals affected with the associated recessive disease, as either homozygous or compound heterozygous with a second variant (PMID: 16410054). Given the available evidence, this variant is classified as Pathogenic.

Variantyx, Inc.
Classification: Pathogenic for Methylmalonic aciduria, cblB type. Last evaluated: 2025-06-26. Review status: criteria provided, single submitter. Criteria: Variantyx Assertion Criteria 2022. Collection method: clinical testing. Allele origin: germline. Inheritance: Autosomal recessive inheritance. Affected: no.
Comment: This is a nonsynonymous variant in the MMAB gene (OMIM: 607568). Pathogenic variants in this gene have been associated with autosomal recessive methylmalonic aciduria of the cblB complementation type . This variant has been identified in the homozygous or compound heterozygous state in at least 4 individuals reported in the published literature (PMID: 12471062, 16410054) (PM3_Strong). Functional studies have shown that this variant alters MMAB protein function (PMID: 16439175, 19625202) (PS3) and Multiple computational algorithms predict a deleterious effect for this variant (REVEL score: 0.848) (PP3). Moreover, this variant lies within a known hotspot for pathogenic variants or a well-established critical functional domain of the MMAB protein (PM1) and alternate amino acid changes at this position (p.Arg186Pro andp.Arg186Gln) have been reported in affected individuals . This variant has a 0.0333% maximum allele frequency in non-founder control populations (PM2). Based on the current evidence, this variant is classified as pathogenic for autosomal recessive methylmalonic aciduria of the cblB complementation type .

Fulgent Genetics
Classification: Pathogenic for Methylmalonic aciduria, cblB type. Last evaluated: 2024-06-17. Review status: criteria provided, single submitter. Criteria: ACMG Guidelines, 2015. Collection method: clinical testing. Allele origin: germline.

Victorian Clinical Genetics Services, Murdoch Childrens Research Institute
Classification: Pathogenic for Methylmalonic aciduria, cblB type. Last evaluated: 2023-07-17. Review status: criteria provided, single submitter. Criteria: ACMG Guidelines, 2015. Collection method: clinical testing. Allele origin: germline. Inheritance: Autosomal recessive inheritance.
Comment: Based on the classification scheme VCGS_Germline_v1.3.4, this variant is classified as Pathogenic. Following criteria are met: 0102 - Loss of function is a known mechanism of disease in this gene and is associated with vitamin B12-responsive methylmalonic aciduria cblB type (MIM#251110). (I) 0106 - This gene is associated with autosomal recessive disease. (I) 0115 - Variants in this gene are known to have variable expressivity (GeneReviews). (I) 0200 - Variant is predicted to result in a missense amino acid change from arginine to tryptophan. (I) 0251 - This variant is heterozygous. (I) 0304 - Variant is present in gnomAD <0.01 for a recessive condition (v2 & v3: 59 heterozygotes, 0 homozygotes). (SP) 0309 - Multiple alternative amino acid changes at the same position have been observed in gnomAD (v3) (highest allele count: 3 heterozygotes, 0 homozygotes). (I) 0501 - Missense variant consistently predicted to be damaging by multiple in silico tools or highly conserved with a major amino acid change. (SP) 0600 - Variant is located in the annotated cobalamin adenosyltransferase domain (DECIPHER). (I) 0801 - This variant has very strong previous evidence of pathogenicity in unrelated individuals. It has been reported in multiple individuals with methylmalonic aciduria cblB type (PMID: 16410054) and regarded as pathogenic in ClinVar. It is usually associated with early onset (GeneReviews). (SP) 1002 - This variant has moderate functional evidence supporting abnormal protein function. Site directed mutagenesis was used to introduce the human homologue substitution p.(Arg119Trp) in Thermoplasma acidophilum, which was shown to result in no enzyme activity (PMID: 15044458). (I) Legend: (SP) - Supporting pathogenic, (I) - Information, (SB) - Supporting benign

MGZ Medical Genetics Center
Classification: Likely pathogenic for Methylmalonic aciduria, cblB type. Last evaluated: 2022-04-05. Review status: criteria provided, single submitter. Criteria: ACMG Guidelines, 2015. Collection method: clinical testing. Allele origin: germline. Affected: yes. Observed: 1 variant allele.
Comment: ACMG criteria applied: PM3, PM5, PM2_SUP, PP1, PP3

GeneDx
Classification: Pathogenic. Last evaluated: 2022-03-24. Review status: criteria provided, single submitter. Criteria: GeneDx Variant Classification Process June 2021. Collection method: clinical testing. Allele origin: germline. Affected: yes.
Comment: In silico analysis, which includes protein predictors and evolutionary conservation, supports a deleterious effect; This variant is associated with the following publications: (PMID: 21048060, 34915869, 31260114, 20696242, 16410054, 12471062, 18251506, 19625202, 16439175, 17957493, 31525265)

Ambry Genetics
Classification: Pathogenic for Inborn genetic diseases. Last evaluated: 2021-06-04. Review status: criteria provided, single submitter. Criteria: Ambry Variant Classification Scheme 2023. Collection method: clinical testing. Allele origin: germline.
Comment: The c.556C>T (p.R186W) alteration is located in exon 7 (coding exon 7) of the MMAB gene. This alteration results from a C to T substitution at nucleotide position 556, causing the arginine (R) at amino acid position 186 to be replaced by a tryptophan (W). This mutation has been reported in the compound heterozygous and homozygous states in multiple individuals with methylmalonic aciduria cblB complementation type (O'Shea, 2012; Nizon, 2013; Brasil, 2018). This mutation significantly disrupts the affinity between MMAB and adenosylcobalamin (Dobson, 2002; Zhang, 2006; Lerner-Ellis, 2006; Zhang, 2009). Based on the available evidence, this alteration is classified as pathogenic.

AiLife Diagnostics
Classification: Pathogenic. Last evaluated: 2020-07-09. Review status: criteria provided, single submitter. Criteria: ACMG Guidelines, 2015. Collection method: clinical testing. Allele origin: germline. Affected: yes. Observed: 1 variant allele.

Myriad Genetics, Inc.
Classification: Pathogenic for Methylmalonic aciduria, cblB type. Last evaluated: 2019-12-20. Review status: criteria provided, single submitter. Criteria: Myriad Women's Health Autosomal Recessive and X-Linked Classification Criteria (2019). Collection method: clinical testing. Allele origin: unknown.
Comment: NM_052845.3(MMAB):c.556C>T(R186W) is classified as pathogenic in the context of methylmalonic acidemia, cblB type. Sources cited for classification include the following: PMID 19625202, 16439175, 12471062, 16410054, 17957493, 20696242, 22614770 and 24059531. Classification of NM_052845.3(MMAB):c.556C>T(R186W) is based on the following criteria: This is a well-established pathogenic variant in the literature that has been observed more frequently in patients with clinical diagnoses than in healthy populations. Please note: this variant was assessed in the context of healthy population screening.

Eurofins Ntd Llc (ga)
Classification: Pathogenic. Last evaluated: 2018-04-23. Review status: criteria provided, single submitter. Criteria: EGL ClinVar v180209 classification definitions. Collection method: clinical testing. Allele origin: germline. Observed: 2 variant alleles, 2 heterozygotes.

NM_052845.4(MMAB):c.556C>T (p.Arg186Trp)

Gene: MMAB (metabolism of cobalamin associated B; minus strand). Cytogenetic location: 12q24.11.
Variant type: single nucleotide variant.
Coding change: c.556C>T on transcript NM_052845.4 (MANE Select); coding-DNA position 556, C replaced by T.
Protein change: p.Arg186Trp; replaces arginine 186 with tryptophan.
Molecular consequence: missense variant. On other transcripts: non-coding transcript variant (1).
Genome position (GRCh38, 1-based): chr12:109,561,068, G>A on the plus strand (C>T on the coding strand, the complement: MMAB is on the minus strand). VCF-style: chr12-109561068-G-A. GRCh37 (hg19) VCF-style: chr12-109998873-G-A.
Other names: p.R186W:CGG>TGG; short protein forms R186W.
Identifiers: ClinVar variation 3095 (VCV000003095.40), dbSNP rs28941784, ClinGen allele CA312714.
Genomic context (GRCh38, chr12:109,561,068, plus strand): 5'-TTGGGCCCTCTCCCTCTCTCCAGCCCTCTTACCGTCTCTCGGCCCGGCGGCACACGGCCC[G>A]GCAGAAATGCAGCGCCGAGCTGATCTTGCCTCCCGACTGAAAGGAGAAAGGGACATTGCC-3'
Protein context (NP_443077.1, residues 176-196): GKISSALHFC[Arg186Trp]AVCRRAERRV